The following is an entry in ClinVar:

ClinVar aggregate classification (germline): Uncertain significance. Review status: criteria provided, multiple submitters, no conflicts (2 of 4 stars). 4 submissions from 4 submitters: Uncertain significance (2). 2 of the submissions do not count toward it. Last evaluated 2024-11-14.

Conditions:
Isolated focal cortical dysplasia type II (FCORD2). Also called: CORTICAL DYSPLASIA OF TAYLOR; Focal cortical dysplasia type II. Identifiers: Orphanet 268994, MedGen C1846385, MONDO:0011818, OMIM 607341, HP:0032051.
Tuberous sclerosis 2 (TSC2). Identifiers: Orphanet 805, MedGen C1860707, MONDO:0013199, OMIM 613254.
Lymphangiomyomatosis (LAM). Also called: Lymphangioleiomyomatosis, somatic; Lymphangioleiomyomatosis. Identifiers: Orphanet 538, MedGen C0751674, MONDO:0011705, OMIM 606690.
Polycystic kidney disease, adult type (PKD1). Also called: Polycystic Kidney Disease 1, Autosomal Dominant; Polycystic kidney disease 1; Polycystic kidney disease 1, severe; Polycystic Kidney, Autosomal Dominant; POLYCYSTIC KIDNEY DISEASE 1 WITH OR WITHOUT POLYCYSTIC LIVER DISEASE; POLYCYSTIC KIDNEY DISEASE, ADULT, TYPE I. Identifiers: MedGen C3149841, MONDO:0008263, OMIM 173900.

Submissions (4):

GeneDx
Classification: Uncertain significance. Last evaluated: 2024-11-14. Review status: criteria provided, single submitter. Criteria: GeneDx Variant Classification Process June 2021. Collection method: clinical testing. Allele origin: germline. Affected: yes.
Comment: Not observed at significant frequency in large population cohorts (gnomAD); In silico analysis supports that this missense variant has a deleterious effect on protein structure/function; This variant is associated with the following publications: (PMID: 33639313)

Fulgent Genetics
Classification: Uncertain significance for Lymphangiomyomatosis; Isolated focal cortical dysplasia type II; Tuberous sclerosis 2. Last evaluated: 2021-12-02. Review status: criteria provided, single submitter. Criteria: ACMG Guidelines, 2015. Collection method: clinical testing. Allele origin: unknown.

Bioscientia Institut fuer Medizinische Diagnostik GmbH, Sonic Healthcare
Classification: Uncertain significance for Polycystic kidney disease, adult type. Last evaluated: 2019-04-30. Review status: no assertion criteria provided. Collection method: clinical testing. Allele origin: germline. Affected: yes. Not counted in ClinVar's aggregate classification.

Institute of Human Genetics, Cologne University
Classification: Uncertain significance for Polycystic kidney disease, adult type. Review status: no assertion criteria provided. Collection method: clinical testing. Allele origin: unknown. Inheritance: Autosomal dominant inheritance. Affected: yes. Observed: 1 heterozygote. Not counted in ClinVar's aggregate classification.

NM_001009944.3(PKD1):c.11858T>C (p.Leu3953Pro)

Genes: PKD1 (polycystin 1, transient receptor potential channel interacting; minus strand), TSC2 (TSC complex subunit 2; plus strand). Cytogenetic location: 16p13.3.
Variant type: single nucleotide variant.
Coding change: c.11858T>C on transcript NM_001009944.3 (MANE Select); coding-DNA position 11858, T replaced by C.
Protein change: p.Leu3953Pro; replaces leucine 3953 with proline.
Molecular consequence: missense variant.
Genome position (GRCh38, 1-based): chr16:2,091,029, A>G on the plus strand (T>C on the coding strand, the complement: PKD1 is on the minus strand). VCF-style: chr16-2091029-A-G. GRCh37 (hg19) VCF-style: chr16-2141030-A-G.
Other names: c.11855T>C, p.Leu3952Pro (NM_000296.4); short protein forms L3952P, L3953P.
Identifiers: ClinVar variation 829953 (VCV000829953.5), dbSNP rs1596476599, ClinGen allele CA394329571.